The following is an entry in ClinVar:

ClinVar aggregate classification (germline): Conflicting classifications of pathogenicity. Review status: criteria provided, conflicting classifications (1 of 4 stars). 3 submissions from 3 submitters: Uncertain significance (1); Likely benign (2). Last evaluated 2026-01-11.

Conditions:
Cardiovascular phenotype. Identifiers: MedGen CN230736.
Myofibrillar myopathy 5. Also called: Filaminopathy (type); FILAMINOPATHY, AUTOSOMAL DOMINANT. Identifiers: Orphanet 171445, MedGen C1836050, MONDO:0012289, OMIM 609524.
Distal myopathy with posterior leg and anterior hand involvement. Also called: WILLIAMS DISTAL MYOPATHY. Identifiers: Orphanet 63273, MedGen C3279722, MONDO:0013550, OMIM 614065.
Hypertrophic cardiomyopathy 26. Also called: Cardiomyopathy, familial hypertrophic, 26. Identifiers: Orphanet 75249, MedGen C4310749, MONDO:0014883, OMIM 617047.
FLNC-related disorder. Also called: FLNC-related condition; FLNC-related disorders.

Allele frequency attached by ClinVar (database versions not stated): gnomAD exomes 0.00001; ExAC 0.00002; gnomAD 0.00002; TOPMed 0.00002; ESP Exome Variant Server 0.00008.

Submissions (3):

Labcorp Genetics (formerly Invitae), Labcorp
Classification: Likely benign for Distal myopathy with posterior leg and anterior hand involvement; Myofibrillar myopathy 5; Hypertrophic cardiomyopathy 26. Last evaluated: 2026-01-11. Review status: criteria provided, single submitter. Criteria: Invitae Variant Classification Sherloc (09022015). Collection method: clinical testing. Allele origin: germline.

PreventionGenetics, part of Exact Sciences
Classification: Likely benign for FLNC-related condition. Last evaluated: 2025-05-23. Review status: criteria provided, single submitter. Criteria: ACMG Guidelines, 2015. Collection method: clinical testing. Allele origin: germline.
Comment: This variant is classified as likely benign based on ACMG/AMP sequence variant interpretation guidelines (Richards et al. 2015 PMID: 25741868, with internal and published modifications).

Ambry Genetics
Classification: Uncertain significance for Cardiovascular phenotype. Last evaluated: 2024-08-29. Review status: criteria provided, single submitter. Criteria: Ambry Variant Classification Scheme 2023. Collection method: clinical testing. Allele origin: germline.
Comment: The c.3210G>A variant (also known as p.P1070P), located in coding exon 21 of the FLNC gene, results from a G to A substitution at nucleotide position 3210. This nucleotide substitution does not change the amino acid at codon 1070. This nucleotide position is poorly conserved in available vertebrate species. In silico splice site analysis for this alteration is inconclusive. Based on the available evidence, the clinical significance of this variant remains unclear.

NM_001458.5(FLNC):c.3210G>A (p.Pro1070=)

Gene: FLNC (filamin C; plus strand). Cytogenetic location: 7q32.1.
Variant type: single nucleotide variant.
Coding change: c.3210G>A on transcript NM_001458.5 (MANE Select); coding-DNA position 3210, G replaced by A.
Protein change: p.Pro1070=; no amino-acid change (proline 1070 retained).
Molecular consequence: synonymous variant.
Genome position (GRCh38, 1-based): chr7:128,844,675, G>A. VCF-style: chr7-128844675-G-A. GRCh37 (hg19) VCF-style: chr7-128484729-G-A.
Other names: c.3210G>A, p.Pro1070= (NM_001127487.2).
Identifiers: ClinVar variation 2086317 (VCV002086317.6), dbSNP rs374788113, ClinGen allele CA4474997.